The following is an entry in ClinVar:

NM_006231.4(POLE):c.5119dup (p.Glu1707fs)

Gene: POLE (DNA polymerase epsilon, catalytic subunit; minus strand). Cytogenetic location: 12q24.33.
Variant type: Duplication.
Coding change: c.5119dup on transcript NM_006231.4 (MANE Select); coding-DNA position 5119, one base duplicated (G; older notation c.5119dupG).
Protein change: p.Glu1707fs; shifts the reading frame from glutamic acid 1707.
Molecular consequence: frameshift variant.
Genome position (GRCh38, 1-based): chr12:132,642,231, C duplicated on the plus strand (G on the coding strand, the reverse complement: POLE is on the minus strand); the first of 2 consecutive C bases (chr12:132,642,231-132,642,232); duplicating either gives the same sequence. VCF-style (leftmost placement, unchanged base first): chr12-132642230-T-TC. GRCh37 (hg19) VCF-style: chr12-133218816-T-TC.
Other names: short protein forms E1707fs.
Identifiers: ClinVar variation 484592 (VCV000484592.16), dbSNP rs1555222457, ClinGen allele CA658658211.

ClinVar aggregate classification (germline): Conflicting classifications of pathogenicity. Review status: criteria provided, conflicting classifications (1 of 4 stars). 2 submissions from 2 submitters: Pathogenic (1); Uncertain significance (1). Last evaluated 2025-08-17.

Conditions:
Hereditary cancer-predisposing syndrome. Also called: Neoplastic Syndromes, Hereditary; Tumor predisposition; Hereditary Cancer Syndrome; Hereditary neoplastic syndrome. Identifiers: Orphanet 140162, MedGen C0027672, MeSH D009386, MONDO:0015356.

Submissions (2):

Labcorp Genetics (formerly Invitae), Labcorp
Classification: Pathogenic. Last evaluated: 2025-08-17. Review status: criteria provided, single submitter. Criteria: Invitae Variant Classification Sherloc (09022015). Collection method: clinical testing. Allele origin: germline.
Comment: This sequence change creates a premature translational stop signal (p.Glu1707Glyfs*4) in the POLE gene. It is expected to result in an absent or disrupted protein product. Loss-of-function variants in POLE are known to be pathogenic (PMID: 23230001, 25948378, 30503519). This variant is not present in population databases (gnomAD no frequency). This variant has not been reported in the literature in individuals affected with POLE-related conditions. ClinVar contains an entry for this variant (Variation ID: 484592). For these reasons, this variant has been classified as Pathogenic.

Ambry Genetics
Classification: Uncertain significance for Hereditary cancer-predisposing syndrome. Last evaluated: 2025-01-19. Review status: criteria provided, single submitter. Criteria: Ambry Variant Classification Scheme 2023. Collection method: clinical testing. Allele origin: germline.
Comment: The c.5119dupG variant, located in coding exon 38 of the POLE gene, results from a duplication of G at nucleotide position 5119, causing a translational frameshift with a predicted alternate stop codon (p.E1707Gfs*4). This alteration is expected to result in loss of function by premature protein truncation or nonsense-mediated mRNA decay. Loss-of-function variants subject to nonsense mediated decay (NMD) in POLE are known to cause POLE deficiency; however, such associations with POLE-related polymerase proofreading-associated polyposis (PPAP) have not been reported. Based on the supporting evidence, this alteration is pathogenic for POLE deficiency; however, the association of this alteration with POLE-related polymerase proofreading-associated polyposis (PPAP) is unknown.

Literature cited by the submitters: PubMed 23230001 (cited by Labcorp Genetics (formerly Invitae), Labcorp); PubMed 25948378 (cited by Labcorp Genetics (formerly Invitae), Labcorp); PubMed 30503519 (cited by Labcorp Genetics (formerly Invitae), Labcorp).